The following is an entry in ClinVar:

NM_000937.5(POLR2A):c.1881+3A>G

Gene: POLR2A (RNA polymerase II subunit A; plus strand). Cytogenetic location: 17p13.1.
Variant type: single nucleotide variant.
Coding change: c.1881+3A>G on transcript NM_000937.5 (MANE Select); 3 bases into the intron after coding-DNA position 1881, A replaced by G.
Molecular consequence: intron variant.
Genome position (GRCh38, 1-based): chr17:7,500,851, A>G. VCF-style: chr17-7500851-A-G. GRCh37 (hg19) VCF-style: chr17-7404170-A-G.
Identifiers: ClinVar variation 1308655 (VCV001308655.2), dbSNP rs2150882412, ClinGen allele CA2502936848.

ClinVar aggregate classification (germline): Uncertain significance (1 of 4 stars; one submission).

Conditions:
Neurodevelopmental disorder with hypotonia and variable intellectual and behavioral abnormalities. Identifiers: MedGen C5231423, MONDO:0032829, OMIM 618603.

Submission:

Equipe Genetique des Anomalies du Developpement, Université de Bourgogne
Classification: Uncertain significance for Neurodevelopmental disorder with hypotonia and variable intellectual and behavioral abnormalities. Last evaluated: 2021-10-28. Review status: criteria provided, single submitter. Criteria: ACMG Guidelines, 2015. Collection method: clinical testing. Allele origin: unknown. Affected: yes.
Comment: Initially classed as likely pathogenic. Targeted RNAseq on RT-PCR products from total RNAs extracted from blood did not show any abnormal transcript. We reclassified this intronic variant as a variant of uncertain significance.